The following is an entry in ClinVar:

ClinVar aggregate classification (germline): Uncertain significance. Review status: reviewed by expert panel (3 of 4 stars). 3 submissions from 3 submitters: Uncertain significance (1). 2 of the submissions do not count toward it. Last evaluated 2024-11-13.

Conditions:
Hereditary thrombocytopenia and hematologic cancer predisposition syndrome. Identifiers: Orphanet 71290, MedGen CN281654, MONDO:0011071.
Inborn genetic diseases. Identifiers: MedGen C0950123, MeSH D030342.
Hereditary thrombocytopenia and hematological cancer predisposition syndrome associated with RUNX1. Also called: PLATELET DISORDER, ASPIRIN-LIKE; Familial Platelet Disorder with Propensity to Acute Myelogenous Leukemia; Familial thrombocytopenia with propensity to acute myelogenous leukemia; RUNX1 Familial Platelet Disorder with Associated Myeloid Malignancies. Identifiers: Orphanet 71290, MedGen C1832388, MeSH C563324, MONDO:0100083, OMIM 601399.

Allele frequency attached by ClinVar (database versions not stated): gnomAD exomes below 0.00001.
gnomAD v4.1: 3 of 1,560,454 alleles (0.00019%); highest among the groups gnomAD compares: Non-Finnish European, 0.00027%; no homozygotes.

Submissions (3):

ClinGen Myeloid Malignancy Variant Curation Expert Panel
Classification: Uncertain significance for Hereditary thrombocytopenia and hematologic cancer predisposition syndrome. Last evaluated: 2024-11-13. Review status: reviewed by expert panel. Criteria: ClinGen MyeloMalig ACMG Specifications v2. Collection method: curation. Allele origin: germline. Inheritance: Autosomal dominant inheritance.
Comment: NM_001754.5(RUNX1):c.92T>C (p.Val31Ala) is a missense variant which has a REVEL score < 0.50 (0.287) and a SpliceAI score ≤ 0.20 (Acceptor Loss 0.02, Donor Loss 0.01) (BP4). In summary, the clinical significance of this variant is uncertain. ACMG/AMP criteria applied, as specified by the Myeloid Malignancy Variant Curation Expert Panel for RUNX1: BP4.

Ambry Genetics
Classification: Uncertain significance for Inborn genetic diseases. Last evaluated: 2026-07-02. Review status: criteria provided, single submitter. Criteria: Ambry Variant Classification Scheme 2023. Collection method: clinical testing. Allele origin: germline. Not counted in ClinVar's aggregate classification.
Comment: The p.V31A variant (also known as c.92T>C), located in coding exon 2 of the RUNX1 gene, results from a T to C substitution at nucleotide position 92. The valine at codon 31 is replaced by alanine, an amino acid with similar properties. This amino acid position is conserved. In addition, this alteration is predicted to be tolerated by in silico analysis. Based on the available evidence, the clinical significance of this variant remains unclear.

Labcorp Genetics (formerly Invitae), Labcorp
Classification: Uncertain significance for Hereditary thrombocytopenia and hematological cancer predisposition syndrome associated with RUNX1. Last evaluated: 2022-02-28. Review status: criteria provided, single submitter. Criteria: Invitae Variant Classification Sherloc (09022015). Collection method: clinical testing. Allele origin: germline. Not counted in ClinVar's aggregate classification.
Comment: Algorithms developed to predict the effect of missense changes on protein structure and function output the following: SIFT: "Tolerated"; PolyPhen-2: "Benign"; Align-GVGD: "Class C0". The alanine amino acid residue is found in multiple mammalian species, which suggests that this missense change does not adversely affect protein function. This variant has not been reported in the literature in individuals affected with RUNX1-related conditions. This variant is not present in population databases (gnomAD no frequency). This sequence change replaces valine, which is neutral and non-polar, with alanine, which is neutral and non-polar, at codon 31 of the RUNX1 protein (p.Val31Ala). In summary, the available evidence is currently insufficient to determine the role of this variant in disease. Therefore, it has been classified as a Variant of Uncertain Significance.

NM_001754.5(RUNX1):c.92T>C (p.Val31Ala)

Gene: RUNX1 (RUNX family transcription factor 1; minus strand). Cytogenetic location: 21q22.12.
Variant type: single nucleotide variant.
Coding change: c.92T>C on transcript NM_001754.5 (MANE Select); coding-DNA position 92, T replaced by C.
Protein change: p.Val31Ala; replaces valine 31 with alanine.
Molecular consequence: missense variant.
Genome position (GRCh38, 1-based): chr21:34,892,930, A>G on the plus strand (T>C on the coding strand, the complement: RUNX1 is on the minus strand). VCF-style: chr21-34892930-A-G. GRCh37 (hg19) VCF-style: chr21-36265227-A-G.
Other names: NM_001754.5(RUNX1):c.92T>C; p.Val31Ala; c.92T>C (NM_001754.4); short protein forms V31A.
Identifiers: ClinVar variation 1346335 (VCV001346335.10), dbSNP rs2146454210, ClinGen allele CA410205656.